The following is an entry in ClinVar:

NM_022765.4(MICAL1):c.1115C>T (p.Ala372Val)

Gene: MICAL1 (microtubule associated monooxygenase, calponin and LIM domain containing 1; minus strand). Cytogenetic location: 6q21.
Variant type: single nucleotide variant.
Coding change: c.1115C>T on transcript NM_022765.4 (MANE Select); coding-DNA position 1115, C replaced by T.
Protein change: p.Ala372Val; replaces alanine 372 with valine.
Molecular consequence: missense variant. On other transcripts: intron variant (1).
Genome position (GRCh38, 1-based): chr6:109,450,376, G>A on the plus strand (C>T on the coding strand, the complement: MICAL1 is on the minus strand). VCF-style: chr6-109450376-G-A. GRCh37 (hg19) VCF-style: chr6-109771579-G-A.
Other names: c.1172C>T, p.Ala391Val (NM_001286613.2); c.934-291C>T (NM_001159291.2); c.1115C>T (NM_022765.3); short protein forms A391V, A372V.
Identifiers: ClinVar variation 1380870 (VCV001380870.9), dbSNP rs765547559, ClinGen allele CA3953501.

ClinVar aggregate classification (germline): Uncertain significance. Review status: criteria provided, multiple submitters, no conflicts (2 of 4 stars). 2 submissions from 2 submitters: Uncertain significance (2). Last evaluated 2025-12-01.

Allele frequency attached by ClinVar (database versions not stated): gnomAD exomes 0.00003 and 0.00010; ExAC 0.00005; gnomAD 0.00008 and 0.00009; TOPMed 0.00008.
gnomAD v4.1: 53 of 1,613,202 alleles (0.0033%); highest among the groups gnomAD compares: Admixed American, 0.072%; 1 homozygote.

Submissions (2):

Labcorp Genetics (formerly Invitae), Labcorp
Classification: Uncertain significance. Last evaluated: 2025-12-01. Review status: criteria provided, single submitter. Criteria: Invitae Variant Classification Sherloc (09022015). Collection method: clinical testing. Allele origin: germline.
Comment: This sequence change replaces alanine, which is neutral and non-polar, with valine, which is neutral and non-polar, at codon 391 of the MICAL1 protein (p.Ala391Val). This variant is present in population databases (rs765547559, gnomAD 0.07%), and has an allele count higher than expected for a pathogenic variant. This variant has not been reported in the literature in individuals affected with MICAL1-related conditions. ClinVar contains an entry for this variant (Variation ID: 1380870). An algorithm developed to predict the effect of missense changes on protein structure and function (PolyPhen-2) suggests that this variant is likely to be disruptive. In summary, the available evidence is currently insufficient to determine the role of this variant in disease. Therefore, it has been classified as a Variant of Uncertain Significance.

Ambry Genetics
Classification: Uncertain significance. Last evaluated: 2021-08-04. Review status: criteria provided, single submitter. Criteria: Ambry Variant Classification Scheme 2023. Collection method: clinical testing. Allele origin: germline.